The following is an entry in ClinVar:

NM_004336.5(BUB1):c.1724T>G (p.Phe575Cys)

Gene: BUB1 (BUB1 mitotic checkpoint serine/threonine kinase; minus strand). Cytogenetic location: 2q13.
Variant type: single nucleotide variant.
Coding change: c.1724T>G on transcript NM_004336.5 (MANE Select); coding-DNA position 1724, T replaced by G.
Protein change: p.Phe575Cys; replaces phenylalanine 575 with cysteine.
Molecular consequence: missense variant.
Genome position (GRCh38, 1-based): chr2:110,655,891, A>C on the plus strand (T>G on the coding strand, the complement: BUB1 is on the minus strand). VCF-style: chr2-110655891-A-C. GRCh37 (hg19) VCF-style: chr2-111413468-A-C.
Other names: c.1664T>G, p.Phe555Cys (NM_001278616.2); c.1724T>G, p.Phe575Cys (NM_001278617.2); short protein forms F555C, F575C.
Identifiers: ClinVar variation 1778840 (VCV001778840.2), dbSNP rs2468002228, ClinGen allele CA348211055.
Genomic context (GRCh38, chr2:110,655,891, plus strand): 5'-TTAGGACTGGGTGCCAGGGTTTTGTTGCAGCGAATACCCCATACAGTTGAGTCATCCAAA[A>C]ACTCTTCAGCATGAGGCACTTCCTCCTATAACAGAAGATGAAATGAAAAAAAAGCAGCAA-3'
Protein context (NP_004327.1, residues 565-585): PKEEVPHAEE[Phe575Cys]LDDSTVWGIR

ClinVar aggregate classification (germline): Uncertain significance (1 of 4 stars; one submission).

Submission:

Ambry Genetics
Classification: Uncertain significance. Last evaluated: 2021-09-05. Review status: criteria provided, single submitter. Criteria: Ambry Variant Classification Scheme 2023. Collection method: clinical testing. Allele origin: germline.
Comment: The p.F575C variant (also known as c.1724T>G), located in coding exon 16 of the BUB1 gene, results from a T to G substitution at nucleotide position 1724. The phenylalanine at codon 575 is replaced by cysteine, an amino acid with highly dissimilar properties. This amino acid position is conserved. In addition, this alteration is predicted to be tolerated by in silico analysis. Since supporting evidence is limited at this time, the clinical significance of this alteration remains unclear.